The following is an entry in ClinVar:

NM_001130987.2(DYSF):c.5025_5053dup (p.Thr1685delinsIleCysLeuTrpArgArgThrTer)

Gene: DYSF (dysferlin; plus strand). Cytogenetic location: 2p13.2.
Variant type: Duplication.
Coding change: c.5025_5053dup on transcript NM_001130987.2 (MANE Select); coding-DNA positions 5025 to 5053, 29 bases duplicated (TCTGCCTCTGGAGAAGGACCTAAAGATCA).
Protein change: p.Thr1685delinsIleCysLeuTrpArgArgThrTer.
Molecular consequence: nonsense.
Genome position (GRCh38, 1-based): chr2:71,664,289-71,664,317, TCTGCCTCTGGAGAAGGACCTAAAGATCA duplicated. VCF-style (leftmost placement, unchanged base first): chr2-71664288-C-CTCTGCCTCTGGAGAAGGACCTAAAGATCA. GRCh37 (hg19) VCF-style: chr2-71891418-C-CTCTGCCTCTGGAGAAGGACCTAAAGATCA.
Other names: c.4911_4939dup, p.Thr1647delinsIleCysLeuTrpArgArgThrTer (NM_001130455.2); c.4866_4894dup, p.Thr1632delinsIleCysLeuTrpArgArgThrTer (NM_001130976.2); c.4929_4957dup, p.Thr1653delinsIleCysLeuTrpArgArgThrTer (NM_001130977.2); c.4971_4999dup, p.Thr1667delinsIleCysLeuTrpArgArgThrTer (NM_001130978.2); c.5001_5029dup, p.Thr1677delinsIleCysLeuTrpArgArgThrTer (NM_001130979.2); c.4959_4987dup, p.Thr1663delinsIleCysLeuTrpArgArgThrTer (NM_001130980.2); c.5022_5050dup, p.Thr1684delinsIleCysLeuTrpArgArgThrTer (NM_001130981.2); c.5004_5032dup, p.Thr1678delinsIleCysLeuTrpArgArgThrTer (NM_001130982.2); and 5 more.
Identifiers: ClinVar variation 1454769 (VCV001454769.8), dbSNP rs2152950672, ClinGen allele CA1032094705.
Genomic context (GRCh38, chr2:71,664,288, plus strand): 5'-CCCCGTGTTGGCTGACATCGGGAATCTGCCCCTCCTGCAGGATGTTCGAGCTGACCTGCA[C>CTCTGCCTCTGGAGAAGGACCTAAAGATCA]TCTGCCTCTGGAGAAGGACCTAAAGATCACTCTCTATGACTATGACCTCCTCTCCAAGGA-3'

ClinVar aggregate classification (germline): Pathogenic/Likely pathogenic. Review status: criteria provided, multiple submitters, no conflicts (2 of 4 stars). 3 submissions from 3 submitters: Pathogenic (2); Likely pathogenic (1). Last evaluated 2026-07-20.

Conditions:
Neuromuscular disease caused by qualitative or quantitative defects of dysferlin. Also called: Dysferlinopathy; Qualitative or quantitative defects of dysferlin. Identifiers: Orphanet 207073, MedGen C2931687, MONDO:0016145.
Miyoshi muscular dystrophy 1 (MMD1). Identifiers: Orphanet 45448, MedGen C4551973, MONDO:0024545, OMIM 254130.
Autosomal recessive limb-girdle muscular dystrophy. Identifiers: Orphanet 102015, MedGen C2931907, MONDO:0015152.

Submissions (3):

Myriad Genetics, Inc.
Classification: Pathogenic for Autosomal recessive limb-girdle muscular dystrophy. Last evaluated: 2026-07-20. Review status: criteria provided, single submitter. Criteria: Myriad Autosomal Dominant, Autosomal Recessive and X-Linked Classification Criteria (2023). Collection method: clinical testing. Allele origin: unknown.
Comment: NM_003494.3(DYSF):c.4908_4936dup29(T1646Ifs*8) is a frameshift variant classified as pathogenic in the context of dysferlinopathy. T1646Ifs*8 has been observed in a case with relevant disease (PMID: 27602406). Relevant functional assessments of this variant are not available in the literature. T1646Ifs*8 has not been observed in referenced population frequency databases. In summary, NM_003494.3(DYSF):c.4908_4936dup29(T1646Ifs*8) is a frameshift variant in a gene where loss of function is a known mechanism of disease, is predicted to disrupt protein function, and has been observed more frequently in cases with the relevant disease than in healthy populations. Please note: this variant was assessed in the context of healthy population screening.

Baylor Genetics
Classification: Likely pathogenic for Miyoshi muscular dystrophy 1. Last evaluated: 2024-01-01. Review status: criteria provided, single submitter. Criteria: ACMG Guidelines, 2015. Collection method: clinical testing. Allele origin: unknown.

Labcorp Genetics (formerly Invitae), Labcorp
Classification: Pathogenic for Neuromuscular disease caused by qualitative or quantitative defects of dysferlin. Last evaluated: 2021-02-21. Review status: criteria provided, single submitter. Criteria: Invitae Variant Classification Sherloc (09022015). Collection method: clinical testing. Allele origin: germline.
Comment: This sequence change creates a premature translational stop signal (p.Thr1646Ilefs*8) in the DYSF gene. It is expected to result in an absent or disrupted protein product. Loss-of-function variants in DYSF are known to be pathogenic (PMID: 17698709, 20301480). This variant is not present in population databases (ExAC no frequency). This variant has not been reported in the literature in individuals with DYSF-related conditions. For these reasons, this variant has been classified as Pathogenic.

Literature cited by the submitters: PubMed 27602406 (cited by Myriad Genetics, Inc.); PubMed 17698709 (cited by Labcorp Genetics (formerly Invitae), Labcorp); PubMed 20301480 (cited by Labcorp Genetics (formerly Invitae), Labcorp).